The following is an entry in ClinVar:

NM_024675.4(PALB2):c.2323C>T (p.Gln775Ter)

Gene: PALB2 (partner and localizer of BRCA2; minus strand). Cytogenetic location: 16p12.2.
Variant type: single nucleotide variant.
Coding change: c.2323C>T on transcript NM_024675.4 (MANE Select); coding-DNA position 2323, C replaced by T.
Protein change: p.Gln775Ter; replaces glutamine 775 with a stop codon.
Molecular consequence: nonsense.
Genome position (GRCh38, 1-based): chr16:23,629,831, G>A on the plus strand (C>T on the coding strand, the complement: PALB2 is on the minus strand). VCF-style: chr16-23629831-G-A. GRCh37 (hg19) VCF-style: chr16-23641152-G-A.
Other names: short protein forms Q775*.
Identifiers: ClinVar variation 126646 (VCV000126646.52), dbSNP rs180177111, ClinGen allele CA192039.

ClinVar aggregate classification (germline): Pathogenic. Review status: criteria provided, multiple submitters, no conflicts (2 of 4 stars). 14 submissions from 14 submitters: Pathogenic (9). 5 of the submissions do not count toward it. Last evaluated 2025-10-24.

Conditions:
Familial cancer of breast. Also called: hereditary breast carcinoma; Hereditary breast cancer; BREAST CANCER, FAMILIAL. Identifiers: Orphanet 227535, MedGen C0346153, MONDO:0016419, OMIM 114480. Disease mechanism: loss of function.
Hereditary breast ovarian cancer syndrome. Also called: Hereditary breast and ovarian cancer syndrome; Hereditary breast and ovarian cancer syndrome (HBOC); Breast and ovarian cancer; BRCA1- and BRCA2-Associated Hereditary Breast and Ovarian Cancer; Hereditary breast and ovarian cancer; Hereditary breast and/or ovarian cancer syndrome. Identifiers: Orphanet 145, MedGen C0677776, MeSH D061325, MONDO:0003582. Disease mechanism: loss of function.
Breast-ovarian cancer, familial, susceptibility to, 5 (BROVCA5). Identifiers: MedGen C5830615, MONDO:0957530, OMIM 620442.
Malignant tumor of breast. Also called: Malignant breast neoplasm; Cancer breast. Identifiers: MedGen C0006142, MONDO:0007254. Disease mechanism: loss of function.
PALB2-related disorder. Also called: PALB2-related disorders; PALB2-related condition.
Hereditary cancer-predisposing syndrome. Also called: Tumor predisposition; Hereditary neoplastic syndrome; Neoplastic Syndromes, Hereditary; Hereditary Cancer Syndrome. Identifiers: Orphanet 140162, MedGen C0027672, MeSH D009386, MONDO:0015356.

Allele frequency attached by ClinVar (database versions not stated): gnomAD exomes below 0.00001.
gnomAD v4.1: 4 of 1,614,214 alleles (0.00025%); highest among the groups gnomAD compares: Non-Finnish European, 0.00034%; no homozygotes.

Submissions (14):

Ambry Genetics
Classification: Pathogenic for Hereditary cancer-predisposing syndrome. Last evaluated: 2025-10-24. Review status: criteria provided, single submitter. Criteria: Ambry Variant Classification Scheme 2023. Collection method: clinical testing. Allele origin: germline.
Comment: The p.Q775* pathogenic mutation (also known as c.2323C>T), located in coding exon 5 of the PALB2 gene, results from a C to T substitution at nucleotide position 2323. This changes the amino acid from a glutamine to a stop codon within coding exon 5. This alteration has been identified in several breast and/or ovarian cancer families and established as a founder mutation of French-Canadian origin (Foulkes WD et al. Breast Cancer Res. 2007;9(6):R83; Tischkowitz M et al. BMC Med Genet. 2013 Jan;14:5; Wark L et al. Genes Chromosomes Cancer 2013 May;52(5):480-94; Carter NJ et al. Gynecol. Oncol., 2018 12;151:481-488). This alteration has also been detected in a cohort of Chinese breast cancer patients (Zhang K et al. Breast Cancer Res. Treat., 2017 Dec;166:865-873). In addition to the clinical data presented in the literature, this alteration is expected to result in loss of function by premature protein truncation or nonsense-mediated mRNA decay. As such, this alteration is interpreted as a disease-causing mutation.

Color Diagnostics, LLC DBA Color Health
Classification: Pathogenic for Hereditary cancer-predisposing syndrome. Last evaluated: 2025-08-20. Review status: criteria provided, single submitter. Criteria: ACMG Guidelines, 2015. Collection method: clinical testing. Allele origin: germline.
Comment: This variant changes 1 nucleotide in exon 5 of the PALB2 gene, creating a premature translation stop signal. This variant is expected to result in an absent or non-functional protein product. This variant has been observed in at least 20 individuals and families affected with breast, ovarian and pancreatic cancer with family history of multiple cancer types (PMID 18053174, 19863560, 23341105, 23302520, 28825143, 30322717, 30720863, 31841383, 33471991Leiden Open Variation Database DB-ID PALB2_010100). This variant has been identified in 1/251456 chromosomes in the general population by the Genome Aggregation Database (gnomAD). Loss of PALB2 function is a known mechanism of disease. Based on the available evidence, this variant is classified as Pathogenic.

Labcorp Genetics (formerly Invitae), Labcorp
Classification: Pathogenic for Familial cancer of breast. Last evaluated: 2025-04-08. Review status: criteria provided, single submitter. Criteria: Invitae Variant Classification Sherloc (09022015). Collection method: clinical testing. Allele origin: germline.
Comment: This sequence change creates a premature translational stop signal (p.Gln775*) in the PALB2 gene. It is expected to result in an absent or disrupted protein product. Loss-of-function variants in PALB2 are known to be pathogenic (PMID: 17200668, 17200671, 17200672, 24136930, 25099575). This variant is present in population databases (rs180177111, gnomAD 0.0009%). This premature translational stop signal has been observed in individual(s) with breast cancer (PMID: 18053174, 19863560, 23302520, 23341105). It has also been observed to segregate with disease in related individuals. ClinVar contains an entry for this variant (Variation ID: 126646). For these reasons, this variant has been classified as Pathogenic.

Blueprint Genetics
Classification: Pathogenic for PALB2-related disorders. Last evaluated: 2024-05-06. Review status: criteria provided, single submitter. Criteria: ACMG Guidelines, 2015. Collection method: clinical testing. Allele origin: germline. Affected: yes. Observed: 1 variant allele.

Myriad Genetics, Inc.
Classification: Pathogenic for Familial cancer of breast. Last evaluated: 2023-03-31. Review status: criteria provided, single submitter. Criteria: Myriad Autosomal Dominant, Autosomal Recessive and X-Linked Classification Criteria (2023). Collection method: clinical testing. Allele origin: unknown.
Comment: This variant is considered pathogenic. This variant creates a termination codon and is predicted to result in premature protein truncation.

GeneDx
Classification: Pathogenic. Last evaluated: 2022-11-16. Review status: criteria provided, single submitter. Criteria: GeneDx Variant Classification Process June 2021. Collection method: clinical testing. Allele origin: germline. Affected: yes.
Comment: Nonsense variant predicted to result in protein truncation or nonsense mediated decay in a gene for which loss of function is a known mechanism of disease; Not observed at significant frequency in large population cohorts (gnomAD); This variant is associated with the following publications: (PMID: 25525159, 30322717, 32885271, 18053174, 28158555, 19863560, 24485656, 31841383, 28825143, 28888541, 31784482, 29922827, 34861889, 26137147, 32339256, 23341105, 25099575, 23302520, 21947752, 30720863, 32300229, 27624329)

Women's Health and Genetics/Laboratory Corporation of America, LabCorp
Classification: Pathogenic for Malignant tumor of breast. Last evaluated: 2022-07-18. Review status: criteria provided, single submitter. Criteria: LabCorp Variant Classification Summary - May 2015. Collection method: clinical testing. Allele origin: germline.
Comment: Variant summary: PALB2 c.2323C>T (p.Gln775X) results in a premature termination codon, predicted to cause a truncation of the encoded protein or absence of the protein due to nonsense mediated decay, which are commonly known mechanisms for disease. Truncations downstream of this position have been classified as pathogenic by our laboratory. The variant allele was found at a frequency of 4e-06 in 251456 control chromosomes (gnomAD). c.2323C>T has been reported in the literature in multiple individuals affected with Breast Cancer (e.g. Tischkowitz_2013, Yang_2020). These data indicate that the variant is very likely to be associated with disease. Experimental evidence demonstrated the variant affects protein function (Pauty_2017). Seven ClinVar submitters (evaluation after 2014) cite the variant as pathogenic. Based on the evidence outlined above, the variant was classified as pathogenic.

Sema4
Classification: Pathogenic for Hereditary cancer-predisposing syndrome. Last evaluated: 2021-03-26. Review status: criteria provided, single submitter. Criteria: Sema4 Curation Guidelines. Collection method: curation. Allele origin: germline.
Comment: The PALB2 c.2323C>T (p.Q775X) has been reported in heterozygosity in numerous individuals with breast cancer and in at least one individual with ovarian cancer (PMID: 18053174, 24485656, 28825143, 30720863, 30322717, 23341105). Functional studies have shown that this variant impairs DNA repair activity in vitro (PMID: 24485656). This variant is a founder variant in the French-Canadian population (PMID: 23302520). This nonsense variant creates a premature stop codon at residue 775 of the PALB2 protein. Loss-of-function variants in PALB2 are known to be pathogenic . This variant was observed in 1/113750 chromosomes in the Non-Finnish European population according to the Genome Aggregation Database (PMID: 32461654). This variant has been reported in ClinVar (Variation ID: 126646). Based on the current evidence available, this variant is interpreted as pathogenic.

Baylor Genetics
Classification: Pathogenic for Familial cancer of breast. Last evaluated: 2021-03-15. Review status: criteria provided, single submitter. Criteria: ACMG Guidelines, 2015. Collection method: clinical testing. Allele origin: unknown.

BRCAlab, Lund University
Classification: Pathogenic for Hereditary breast ovarian cancer syndrome. Last evaluated: 2022-08-26. Review status: no assertion criteria provided. Collection method: clinical testing. Allele origin: germline. Affected: yes. Not counted in ClinVar's aggregate classification.

Leiden Open Variation Database
Classification: Pathogenic for Familial cancer of breast. Last evaluated: 2019-05-13. Review status: no assertion criteria provided. Collection method: curation. Allele origin: germline. Affected: yes. Not counted in ClinVar's aggregate classification.
Comment: Curators: Marc Tischkowitz, Arleen D. Auerbach. Submitter to LOVD: Marc Tischkowitz.

Counsyl
Classification: Pathogenic for Familial cancer of breast. Last evaluated: 2015-05-01. Review status: no assertion criteria provided. Collection method: clinical testing. Allele origin: unknown. Not counted in ClinVar's aggregate classification.

OMIM
Classification: risk factor for BREAST-OVARIAN CANCER, FAMILIAL, SUSCEPTIBILITY TO, 5. Last evaluated: 2007-01-01. Review status: no assertion criteria provided. Collection method: literature only. Allele origin: germline. Not counted in ClinVar's aggregate classification.

Department of Pathology and Laboratory Medicine, Sinai Health System
Classification: Pathogenic for Malignant tumor of breast. Review status: no assertion criteria provided. Collection method: clinical testing. Allele origin: unknown. Affected: yes. Study: The Canadian Open Genetics Repository (COGR). Not counted in ClinVar's aggregate classification.
Comment: The PALB2 p.Gln775* variant was identified in 6 of 1936 proband chromosomes (frequency: 0.003) from individuals or families with breast and or ovarian cancer and was not identified in 24880 chromosomes from healthy controls (Foulkes 2007, Tischkowitz 2013, Catucci 2016). The variant was also identified in dbSNP (ID: rs180177111) as "With Pathogenic allele", ClinVar (classified as pathogenic by Invitae, Ambry Genetics and three other submitters), LOVD 3.0 (7x), and in Zhejiang University Database (1x). The variant was not identified in the Cosmic database. The variant was not identified in the following control databases: the Exome Aggregation Consortium (August 8th 2016), or the Genome Aggregation Database (Feb 27, 2017). The p.Gln775* variant leads to a premature stop codon at position 775, which is predicted to lead to a truncated or absent protein and loss of function. Loss of function variants of the PALB2 gene are an established mechanism of disease in PALB2 assosiated cancers and is the type of variant expected to cause the disorder. The variant has been found to recur in French Canadian HBC families and breast cancer cases and is considered a founder mutation in the French Canadian population (Arcand 2015). In a structureâ€šÃ„Ã¬function analysis of PALB2 the variant was able to bind the same DNA substrates as wild-type PALB2 (wt) but with some differences in affinity; it displayed reduced affinity for the D-loop and ability to form foci in the nucleus (Pauty 2017). In addition, mean fluorescent intensity was significantly increased and reduced telomeric signals were observed in cells carrying the PALB2 c.2323C>T variant which were generated from patient-derived cell lines (Wark 2013). In summary, based on the above information this variant meets our laboratoryâ€šÃ„Ã´s criteria to be classified as pathogenic.

Literature cited by the submitters: PubMed 19264984 (cited by Ambry Genetics and Leiden Open Variation Database); PubMed 19863560 (cited by 5 submitters); PubMed 21947752 (cited by 3 submitters); PubMed 25099575 (cited by 3 submitters); PubMed 28158555 (cited by Ambry Genetics and Women's Health and Genetics/Laboratory Corporation of America, LabCorp); PubMed 28825143 (cited by 3 submitters); PubMed 30322717 (cited by 3 submitters); PubMed 30720863 (cited by 3 submitters); PubMed 18053174 (cited by 6 submitters); PubMed 23302520 (cited by 6 submitters); PubMed 23341105 (cited by 5 submitters); PubMed 31841383 (cited by 3 submitters); PubMed 33471991 (cited by Color Diagnostics, LLC DBA Color Health); PubMed 17200668 (cited by Labcorp Genetics (formerly Invitae), Labcorp); PubMed 17200671 (cited by Labcorp Genetics (formerly Invitae), Labcorp); PubMed 17200672 (cited by Labcorp Genetics (formerly Invitae), Labcorp); PubMed 24136930 (cited by Labcorp Genetics (formerly Invitae), Labcorp); PubMed 24485656 (cited by Sema4).